The following is an entry in ClinVar:

ClinVar aggregate classification (germline): Benign (0 of 4 stars; one submission).

Conditions:
CPB2-related disorder. Also called: CPB2-related condition.

Allele frequency attached by ClinVar (database versions not stated): 1000 Genomes Project 0.30751; ExAC 0.31109; 1000 Genomes Project 30x 0.31230; TOPMed 0.33785; gnomAD 0.34365; ESP Exome Variant Server 0.34553.
gnomAD v4.1: 488,953 of 1,553,388 alleles (31%); highest among the groups gnomAD compares: African/African-American, 39%; 79,287 homozygotes.

Submission:

PreventionGenetics, part of Exact Sciences
Classification: Benign for CPB2-related condition. Last evaluated: 2019-10-17. Review status: no assertion criteria provided. Collection method: clinical testing. Allele origin: germline.
Comment: This variant is classified as benign based on ACMG/AMP sequence variant interpretation guidelines (Richards et al. 2015 PMID: 25741868, with internal and published modifications).

NM_001872.5(CPB2):c.678T>C (p.Asp226=)

Genes: CPB2 (carboxypeptidase B2; minus strand), CPB2-AS1 (CPB2 antisense RNA 1; plus strand). Cytogenetic location: 13q14.13.
Variant type: single nucleotide variant.
Coding change: c.678T>C on transcript NM_001872.5 (MANE Select); coding-DNA position 678, T replaced by C.
Protein change: p.Asp226=; no amino-acid change (aspartic acid 226 retained).
Molecular consequence: synonymous variant. On other transcripts: intron variant (1).
Genome position (GRCh38, 1-based): chr13:46,067,331, A>G on the plus strand (T>C on the coding strand, the complement: CPB2 is on the minus strand). VCF-style: chr13-46067331-A-G. GRCh37 (hg19) VCF-style: chr13-46641466-A-G.
Other names: c.592-2590T>C (NM_001278541.2).
Identifiers: ClinVar variation 3059117 (VCV003059117.2), dbSNP rs9316179, ClinGen allele CA6974883.
Genomic context (GRCh38, chr13:46,067,331, plus strand): 5'-GAGAACATGATTTGTCTTCTTTGCCTTTTCTCCTACCTTTTTCCATGAGTAGTCATAACC[A>G]TCCACATTAACCACTGGCATAACATAGAAATCCACAAGCCTCAGGAGATTGGTATATTGC-3'
Protein context (NP_001863.3, residues 216-236): DFYVMPVVNV[Asp226=]GYDYSWKKNR